The following is an entry in ClinVar:

ClinVar aggregate classification (germline): Uncertain significance. Review status: criteria provided, multiple submitters, no conflicts (2 of 4 stars). 3 submissions from 3 submitters: Uncertain significance (3). Last evaluated 2026-04-10.

Conditions:
USH2A-related disorder. Also called: USH2A-related disorders; USH2A-related condition. Identifiers: MedGen CN239332.

Allele frequency attached by ClinVar (database versions not stated): gnomAD 0.00003; TOPMed 0.00006.

Submissions (3):

PreventionGenetics, part of Exact Sciences
Classification: Uncertain significance for USH2A-related condition. Last evaluated: 2026-04-10. Review status: criteria provided, single submitter. Criteria: ACMG Guidelines, 2015. Collection method: clinical testing. Allele origin: germline.
Comment: The USH2A c.-259G>T variant is located in the 5' untranslated region. This variant, alternatively described as g.129G>T, has been reported in a family affected with Usher syndrome (López et al. 2011. PubMed ID: 22159486; paper in Spanish). This variant has not been reported in a large population database (gnomAD), indicating this variant is rare. At this time, the clinical significance of this variant is uncertain due to the absence of conclusive functional and genetic evidence.

Blueprint Genetics
Classification: Uncertain significance. Last evaluated: 2024-06-25. Review status: criteria provided, single submitter. Criteria: ACMG Guidelines, 2015. Collection method: clinical testing. Allele origin: germline.

Labcorp Genetics (formerly Invitae), Labcorp
Classification: Uncertain significance. Last evaluated: 2022-10-25. Review status: criteria provided, single submitter. Criteria: Invitae Variant Classification Sherloc (09022015). Collection method: clinical testing. Allele origin: germline.
Comment: This variant occurs in a non-coding region of the USH2A gene. It does not change the encoded amino acid sequence of the USH2A protein. This variant is not present in population databases (gnomAD no frequency). This variant has been observed in individual(s) with Usher syndrome (PMID: 22159486). In summary, the available evidence is currently insufficient to determine the role of this variant in disease. Therefore, it has been classified as a Variant of Uncertain Significance.

Literature cited by the submitters: PubMed 22159486 (cited by Labcorp Genetics (formerly Invitae), Labcorp).

NM_206933.4(USH2A):c.-259G>T

Gene: USH2A (usherin; minus strand). Cytogenetic location: 1q41.
Variant type: single nucleotide variant.
Coding change: c.-259G>T on transcript NM_206933.4 (MANE Select); 259 bases upstream of the start codon, G replaced by T.
Molecular consequence: 5 prime UTR variant.
Genome position (GRCh38, 1-based): chr1:216,423,268, C>A on the plus strand (G>T on the coding strand, the complement: USH2A is on the minus strand). VCF-style: chr1-216423268-C-A. GRCh37 (hg19) VCF-style: chr1-216596610-C-A.
Other names: c.-259G>T (NM_007123.6, NM_206933.2).
Identifiers: ClinVar variation 2202988 (VCV002202988.3), dbSNP rs1312031578, ClinGen allele CA731382567.